The following is an entry in ClinVar:

ClinVar aggregate classification (germline): Pathogenic (1 of 4 stars; one submission).

Submission:

Labcorp Genetics (formerly Invitae), Labcorp
Classification: Pathogenic. Last evaluated: 2024-01-29. Review status: criteria provided, single submitter. Criteria: Invitae Variant Classification Sherloc (09022015). Collection method: clinical testing. Allele origin: germline.
Comment: This sequence change creates a premature translational stop signal (p.Gly83Argfs*9) in the GALNT3 gene. It is expected to result in an absent or disrupted protein product. Loss-of-function variants in GALNT3 are known to be pathogenic (PMID: 15133511, 20358599). This variant is not present in population databases (gnomAD no frequency). This variant has not been reported in the literature in individuals affected with GALNT3-related conditions. For these reasons, this variant has been classified as Pathogenic.

Literature cited by the submitters: PubMed 15133511; PubMed 20358599.

NM_004482.4(GALNT3):c.245dup (p.Gly83fs)

Gene: GALNT3 (polypeptide N-acetylgalactosaminyltransferase 3; minus strand). Cytogenetic location: 2q24.3.
Variant type: Duplication.
Coding change: c.245dup on transcript NM_004482.4 (MANE Select); coding-DNA position 245, one base duplicated (T; older notation c.245dupT).
Protein change: p.Gly83fs; shifts the reading frame from glycine 83.
Molecular consequence: frameshift variant.
Genome position (GRCh38, 1-based): chr2:165,770,456, A duplicated on the plus strand (T on the coding strand, the reverse complement: GALNT3 is on the minus strand). VCF-style (leftmost placement, unchanged base first): chr2-165770455-T-TA. GRCh37 (hg19) VCF-style: chr2-166626965-T-TA.
Other names: short protein forms G83fs.
Identifiers: ClinVar variation 2885464 (VCV002885464.3), dbSNP rs2105419955, ClinGen allele CA2700924692.